The following is an entry in ClinVar:

NM_017946.4(FKBP14):c.245T>C (p.Leu82Pro)

Genes: FKBP14 (FKBP prolyl isomerase 14; minus strand), FKBP14-AS1 (FKBP14 antisense RNA 1; plus strand). Cytogenetic location: 7p14.3.
Variant type: single nucleotide variant.
Coding change: c.245T>C on transcript NM_017946.4 (MANE Select); coding-DNA position 245, T replaced by C.
Protein change: p.Leu82Pro; replaces leucine 82 with proline.
Molecular consequence: missense variant. On other transcripts: non-coding transcript variant (1).
Genome position (GRCh38, 1-based): chr7:30,022,769, A>G on the plus strand (T>C on the coding strand, the complement: FKBP14 is on the minus strand). VCF-style: chr7-30022769-A-G. GRCh37 (hg19) VCF-style: chr7-30062385-A-G.
Other names: short protein forms L82P.
Identifiers: ClinVar variation 4257770 (VCV004257770.2).

ClinVar aggregate classification (germline): Uncertain significance. Review status: criteria provided, multiple submitters, no conflicts (2 of 4 stars). 2 submissions from 2 submitters: Uncertain significance (2). Last evaluated 2025-06-22.

Conditions:
Cardiovascular phenotype. Identifiers: MedGen CN230736.

Submissions (2):

Ambry Genetics
Classification: Uncertain significance for Cardiovascular phenotype. Last evaluated: 2025-06-22. Review status: criteria provided, single submitter. Criteria: Ambry Variant Classification Scheme 2023. Collection method: clinical testing. Allele origin: germline.
Comment: The p.L82P variant (also known as c.245T>C), located in coding exon 2 of the FKBP14 gene, results from a T to C substitution at nucleotide position 245. The leucine at codon 82 is replaced by proline, an amino acid with similar properties. This amino acid position is conserved. In addition, the in silico prediction for this alteration is inconclusive. Based on the available evidence, the clinical significance of this variant remains unclear.

Blueprint Genetics
Classification: Uncertain significance. Last evaluated: 2024-06-10. Review status: criteria provided, single submitter. Criteria: ACMG Guidelines, 2015. Collection method: clinical testing. Allele origin: germline.